The following is an entry in ClinVar:

ClinVar aggregate classification (germline): Uncertain significance (1 of 4 stars; one submission).

Submission:

Ambry Genetics
Classification: Uncertain significance. Last evaluated: 2023-09-28. Review status: criteria provided, single submitter. Criteria: Ambry Variant Classification Scheme 2023. Collection method: clinical testing. Allele origin: germline.
Comment: The p.L1977P variant (also known as c.5930T>C), located in coding exon 8 of the ALPK2 gene, results from a T to C substitution at nucleotide position 5930. The leucine at codon 1977 is replaced by proline, an amino acid with similar properties. This amino acid position is conserved. In addition, the in silico prediction for this alteration is inconclusive. Since supporting evidence is limited at this time, the clinical significance of this alteration remains unclear.

NM_052947.4(ALPK2):c.5930T>C (p.Leu1977Pro)

Gene: ALPK2 (alpha kinase 2; minus strand). Cytogenetic location: 18q21.31.
Variant type: single nucleotide variant.
Coding change: c.5930T>C on transcript NM_052947.4 (MANE Select); coding-DNA position 5930, T replaced by C.
Protein change: p.Leu1977Pro; replaces leucine 1977 with proline.
Molecular consequence: missense variant.
Genome position (GRCh38, 1-based): chr18:58,516,918, A>G on the plus strand (T>C on the coding strand, the complement: ALPK2 is on the minus strand). VCF-style: chr18-58516918-A-G. GRCh37 (hg19) VCF-style: chr18-56184150-A-G.
Other names: short protein forms L1977P.
Identifiers: ClinVar variation 3228826 (VCV003228826.1), dbSNP rs2518862607, ClinGen allele CA402547667.